The following is an entry in ClinVar:

NM_000198.4(HSD3B2):c.465G>A (p.Pro155=)

Gene: HSD3B2 (hydroxy-delta-5-steroid dehydrogenase, 3 beta- and steroid delta-isomerase 2; plus strand). Cytogenetic location: 1p12.
Variant type: single nucleotide variant.
Coding change: c.465G>A on transcript NM_000198.4 (MANE Select); coding-DNA position 465, G replaced by A.
Protein change: p.Pro155=; no amino-acid change (proline 155 retained).
Molecular consequence: synonymous variant.
Genome position (GRCh38, 1-based): chr1:119,421,966, G>A. VCF-style: chr1-119421966-G-A. GRCh37 (hg19) VCF-style: chr1-119964589-G-A.
Other names: c.465G>A, p.Pro155= (NM_001166120.2).
Identifiers: ClinVar variation 715626 (VCV000715626.45), dbSNP rs114527791, ClinGen allele CA1035981.
Genomic context (GRCh38, chr1:119,421,966, plus strand): 5'-AATCATCCAGAACGGCCACGAAGAAGAGCCTCTGGAAAACACATGGCCCACTCCATACCC[G>A]TACAGCAAAAAGCTTGCTGAGAAGGCTGTGCTGGCGGCTAATGGGTGGAATCTAAAAAAT-3'
Protein context (NP_000189.1, residues 145-165): PLENTWPTPY[Pro155=]YSKKLAEKAV

ClinVar aggregate classification (germline): Conflicting classifications of pathogenicity. Review status: criteria provided, conflicting classifications (1 of 4 stars). 5 submissions from 5 submitters: Uncertain significance (1); Benign (1); Likely benign (2). 1 of the submissions does not count toward it. Last evaluated 2026-01-19.

Conditions:
3 beta-Hydroxysteroid dehydrogenase deficiency. Also called: 3b-hydroxysteroid dehydrogenase deficiency; Congenital adrenal hyperplasia due to 3-beta-hydroxysteroid dehydrogenase deficiency; 3-BETA-HSD DEFICIENCY; ADRENAL HYPERPLASIA II; ADRENAL HYPERPLASIA, CONGENITAL, DUE TO 3-BETA-HYDROXYSTEROID DEHYDROGENASE 2 DEFICIENCY. Identifiers: Orphanet 90791, MedGen C0342471, MeSH C538236, MONDO:0008727, OMIM 201810. Disease mechanism: loss of function.

Allele frequency attached by ClinVar (database versions not stated): ESP Exome Variant Server 0.00015; gnomAD exomes 0.00048; TOPMed 0.00049; 1000 Genomes Project 0.00180; 1000 Genomes Project 30x 0.00203.
gnomAD v4.1: 815 of 1,613,670 alleles (0.051%); highest among the groups gnomAD compares: South Asian, 0.16%; 2 homozygotes.

Submissions (5):

Labcorp Genetics (formerly Invitae), Labcorp
Classification: Benign. Last evaluated: 2026-01-19. Review status: criteria provided, single submitter. Criteria: Invitae Variant Classification Sherloc (09022015). Collection method: clinical testing. Allele origin: germline.

CeGaT Center for Human Genetics Tuebingen
Classification: Likely benign. Last evaluated: 2025-08-01. Review status: criteria provided, single submitter. Criteria: CeGaT Center For Human Genetics Tuebingen Variant Classification Criteria Version 2. Collection method: clinical testing. Allele origin: germline. Affected: yes. Observed: 2 variant alleles.
Comment: HSD3B2: BP4, BP7

Blueprint Genetics
Classification: Likely benign. Last evaluated: 2024-10-08. Review status: criteria provided, single submitter. Criteria: ACMG Guidelines, 2015. Collection method: clinical testing. Allele origin: germline.

Illumina Laboratory Services, Illumina
Classification: Uncertain significance for 3 beta-Hydroxysteroid dehydrogenase deficiency. Last evaluated: 2018-01-13. Review status: criteria provided, single submitter. Criteria: ICSL Variant Classification Criteria 13 December 2019. Collection method: clinical testing. Allele origin: germline.

Natera, Inc.
Classification: Likely benign for 3 beta hydroxysteroid dehydrogenase deficiency. Last evaluated: 2019-10-24. Review status: no assertion criteria provided. Collection method: clinical testing. Allele origin: germline. Not counted in ClinVar's aggregate classification.